The following is an entry in ClinVar:

NM_001375905.1(SGMS2):c.171G>A (p.Pro57=)

Genes: CYP2U1-AS1 (CYP2U1 and SGMS2 antisense RNA 1; minus strand), SGMS2 (sphingomyelin synthase 2; plus strand). Cytogenetic location: 4q25.
Variant type: single nucleotide variant.
Coding change: c.171G>A on transcript NM_001375905.1 (MANE Select); coding-DNA position 171, G replaced by A.
Protein change: p.Pro57=; no amino-acid change (proline 57 retained).
Molecular consequence: synonymous variant. On other transcripts: intron variant (1).
Genome position (GRCh38, 1-based): chr4:107,895,724, G>A. VCF-style: chr4-107895724-G-A. GRCh37 (hg19) VCF-style: chr4-108816880-G-A.
Other names: c.171G>A, p.Pro57= (NM_001136257.2, NM_001136258.2, NM_001375906.1 and 4 more transcripts); c.-64-3851G>A (NM_001375911.1); c.171G>A (NM_001136258.1).
Identifiers: ClinVar variation 1595949 (VCV001595949.12), dbSNP rs150784082, ClinGen allele CA3036729.

ClinVar aggregate classification (germline): Benign/Likely benign. Review status: criteria provided, multiple submitters, no conflicts (2 of 4 stars). 4 submissions from 4 submitters: Benign (1); Likely benign (2). 1 of the submissions does not count toward it. Last evaluated 2026-01-14.

Conditions:
SGMS2-related disorder. Also called: SGMS2-related condition.
Calvarial doughnut lesions-bone fragility syndrome. Also called: Doughnut lesions of skull, familial. Identifiers: Orphanet 85192, MedGen C1852022, MONDO:0007470, OMIM 126550.

Allele frequency attached by ClinVar (database versions not stated): gnomAD exomes 0.00039 and 0.00098; ExAC 0.00115; gnomAD 0.00356 and 0.00379; TOPMed 0.00396; ESP Exome Variant Server 0.00438; 1000 Genomes Project 0.00439; 1000 Genomes Project 30x 0.00453.
gnomAD v4.1: 1,149 of 1,613,862 alleles (0.071%); highest among the groups gnomAD compares: African/African-American, 1.2%; 4 homozygotes.

Submissions (4):

Labcorp Genetics (formerly Invitae), Labcorp
Classification: Benign. Last evaluated: 2026-01-14. Review status: criteria provided, single submitter. Criteria: Invitae Variant Classification Sherloc (09022015). Collection method: clinical testing. Allele origin: germline.

Blueprint Genetics
Classification: Likely benign. Last evaluated: 2024-11-12. Review status: criteria provided, single submitter. Criteria: ACMG Guidelines, 2015. Collection method: clinical testing. Allele origin: germline.

Fulgent Genetics
Classification: Likely benign for Calvarial doughnut lesions-bone fragility syndrome. Last evaluated: 2022-05-11. Review status: criteria provided, single submitter. Criteria: ACMG Guidelines, 2015. Collection method: clinical testing. Allele origin: unknown.

PreventionGenetics, part of Exact Sciences
Classification: Benign for SGMS2-related condition. Last evaluated: 2019-12-03. Review status: no assertion criteria provided. Collection method: clinical testing. Allele origin: germline. Not counted in ClinVar's aggregate classification.
Comment: This variant is classified as benign based on ACMG/AMP sequence variant interpretation guidelines (Richards et al. 2015 PMID: 25741868, with internal and published modifications).